The following is an entry in ClinVar:

NM_000051.4(ATM):c.8585-17_8585-14del

Genes: ATM (ATM serine/threonine kinase; plus strand), C11orf65 (chromosome 11 open reading frame 65; minus strand). Cytogenetic location: 11q22.3.
Variant type: Microsatellite.
Coding change: c.8585-17_8585-14del on transcript NM_000051.4 (MANE Select); 17 bases into the intron before coding-DNA position 8585 through 14 bases into the intron before coding-DNA position 8585, 4 bases deleted (GTTT; older notation c.8585-17_8585-14delGTTT).
Molecular consequence: intron variant.
Genome position (GRCh38, 1-based): chr11:108,347,262-108,347,265, GTTT deleted; deleting any 4 consecutive bases within chr11:108,347,256-108,347,265 gives the same sequence; the c. name uses the placement nearest the transcript's 3' end. VCF-style (leftmost placement, unchanged base first): chr11-108347255-ATTGT-A. GRCh37 (hg19) VCF-style: chr11-108217982-ATTGT-A.
Other names: c.8585-17_8585-14del (NM_001351834.2); c.641-38188_641-38185del (NM_001330368.2); c.695-11967_695-11964del (NM_001351110.2); c.8585-17_8585-14delGTTT (NM_000051.3).
Identifiers: ClinVar variation 418048 (VCV000418048.52), dbSNP rs764013510, ClinGen allele CA6266395.
Genomic context (GRCh38, chr11:108,347,255, plus strand): 5'-CAGTGGTCTTAATTGAAATTATGGCTATATATTAGAAAGAGATGGAATCAGTGATTTCAG[ATTGT>A]TTGTTTCTTTTTTCTCCAGTTGGTTACATACTTGGACTTGGTGATAGACATGTACAGAAT-3'

ClinVar aggregate classification (germline): Likely benign. Review status: criteria provided, multiple submitters, no conflicts (2 of 4 stars). 5 submissions from 5 submitters: Likely benign (5). Last evaluated 2026-04-14.

Conditions:
Hereditary cancer-predisposing syndrome. Also called: Neoplastic Syndromes, Hereditary; Hereditary Cancer Syndrome; Tumor predisposition; Hereditary neoplastic syndrome. Identifiers: Orphanet 140162, MedGen C0027672, MeSH D009386, MONDO:0015356.
Familial cancer of breast. Also called: Hereditary breast cancer; BREAST CANCER, FAMILIAL; hereditary breast carcinoma. Identifiers: Orphanet 227535, MedGen C0346153, MONDO:0016419, OMIM 114480. Disease mechanism: loss of function.
Ataxia-telangiectasia syndrome (AT). Also called: LOUIS-BAR SYNDROME; Cerebello-oculocutaneous telangiectasia; Immunodeficiency with ataxia telangiectasia; Ataxia-telangiectasia, complementation group D; AT, COMPLEMENTATION GROUP C; Ataxia-telangiectasia, complementation group E. Identifiers: Orphanet 100, MedGen C0004135, MONDO:0008840, OMIM 208900.

Submissions (5):

Myriad Genetics, Inc.
Classification: Likely benign for Familial cancer of breast. Last evaluated: 2026-04-14. Review status: criteria provided, single submitter. Criteria: Myriad Autosomal Dominant, Autosomal Recessive and X-Linked Classification Criteria (2023). Collection method: clinical testing. Allele origin: unknown.
Comment: This variant is considered likely benign. This variant is intronic and is not expected to impact mRNA splicing. This variant is strongly associated with less severe personal and family histories of cancer, typical for individuals without pathogenic variants in this gene [PMID: 25085752].

Labcorp Genetics (formerly Invitae), Labcorp
Classification: Likely benign for Ataxia-telangiectasia syndrome. Last evaluated: 2025-12-04. Review status: criteria provided, single submitter. Criteria: Invitae Variant Classification Sherloc (09022015). Collection method: clinical testing. Allele origin: germline.

Blueprint Genetics
Classification: Likely benign. Last evaluated: 2023-09-21. Review status: criteria provided, single submitter. Criteria: ACMG Guidelines, 2015. Collection method: clinical testing. Allele origin: germline.

GeneDx
Classification: Likely benign. Last evaluated: 2017-09-26. Review status: criteria provided, single submitter. Criteria: GeneDx Variant Classification (06012015). Collection method: clinical testing. Allele origin: germline. Affected: yes.
Comment: This variant is considered likely benign or benign based on one or more of the following criteria: it is a conservative change, it occurs at a poorly conserved position in the protein, it is predicted to be benign by multiple in silico algorithms, and/or has population frequency not consistent with disease.

Color Diagnostics, LLC DBA Color Health
Classification: Likely benign for Hereditary cancer-predisposing syndrome. Last evaluated: 2017-05-25. Review status: criteria provided, single submitter. Criteria: ACMG Guidelines, 2015. Collection method: clinical testing. Allele origin: germline.

Literature cited by the submitters: PubMed 25085752 (cited by Myriad Genetics, Inc.).